The following is an entry in ClinVar:

ClinVar aggregate classification (germline): Likely pathogenic (1 of 4 stars; one submission).

Submission:

Labcorp Genetics (formerly Invitae), Labcorp
Classification: Likely pathogenic. Last evaluated: 2023-01-22. Review status: criteria provided, single submitter. Criteria: Invitae Variant Classification Sherloc (09022015). Collection method: clinical testing. Allele origin: germline.
Comment: This sequence change affects an acceptor splice site in intron 12 of the SLC12A1 gene. It is expected to disrupt RNA splicing. Variants that disrupt the donor or acceptor splice site typically lead to a loss of protein function (PMID: 16199547), and loss-of-function variants in SLC12A1 are known to be pathogenic (PMID: 8640224, 9585600, 19096086). This variant is not present in population databases (gnomAD no frequency). This variant has not been reported in the literature in individuals affected with SLC12A1-related conditions. Algorithms developed to predict the effect of sequence changes on RNA splicing suggest that this variant may disrupt the consensus splice site. In summary, the currently available evidence indicates that the variant is pathogenic, but additional data are needed to prove that conclusively. Therefore, this variant has been classified as Likely Pathogenic.

Literature cited by the submitters: PubMed 16199547; PubMed 8640224; PubMed 9585600; PubMed 19096086.

NM_000338.3(SLC12A1):c.1561-2A>G

Gene: SLC12A1 (solute carrier family 12 member 1; plus strand). Cytogenetic location: 15q21.1.
Variant type: single nucleotide variant.
Coding change: c.1561-2A>G on transcript NM_000338.3 (MANE Select); the canonical splice acceptor site of the intron before coding-DNA position 1561, A replaced by G.
Molecular consequence: splice acceptor variant.
Genome position (GRCh38, 1-based): chr15:48,247,335, A>G. VCF-style: chr15-48247335-A-G. GRCh37 (hg19) VCF-style: chr15-48539532-A-G.
Other names: c.1561-2A>G (NM_001384136.1, NM_001184832.2).
Identifiers: ClinVar variation 2876633 (VCV002876633.3), dbSNP rs2505087341, ClinGen allele CA392312139.